The following is an entry in ClinVar:

ClinVar aggregate classification (germline): Uncertain significance. Review status: reviewed by expert panel (3 of 4 stars). 4 submissions from 4 submitters: Uncertain significance (1). 3 of the submissions do not count toward it. Last evaluated 2024-07-17.

Conditions:
Hereditary thrombocytopenia and hematologic cancer predisposition syndrome. Identifiers: Orphanet 71290, MedGen CN281654, MONDO:0011071.
Thrombocytopenia. Identifiers: MedGen C0040034, MeSH D013921, MONDO:0002049, HP:0001873.
Abnormal bleeding. Also called: Bleeding diathesis. Identifiers: MedGen C1458140, HP:0001892.
Hereditary thrombocytopenia and hematological cancer predisposition syndrome associated with RUNX1. Also called: Familial Platelet Disorder with Propensity to Acute Myelogenous Leukemia; Familial thrombocytopenia with propensity to acute myelogenous leukemia; RUNX1 Familial Platelet Disorder with Associated Myeloid Malignancies; PLATELET DISORDER, ASPIRIN-LIKE. Identifiers: Orphanet 71290, MedGen C1832388, MeSH C563324, MONDO:0100083, OMIM 601399.

Submissions (4):

ClinGen Myeloid Malignancy Variant Curation Expert Panel
Classification: Uncertain significance for Hereditary thrombocytopenia and hematologic cancer predisposition syndrome. Last evaluated: 2024-07-17. Review status: reviewed by expert panel. Criteria: ClinGen MyeloMalig ACMG Specifications v2. Collection method: curation. Allele origin: germline. Inheritance: Autosomal dominant inheritance.
Comment: NM_001754.5(RUNX1):c.1256T>G (p.Val419Gly) is a missense variant with a REVEL score < 0.50 (0.239) and SpliceAI predicts no impact on splicing (score: 0.00) (BP4). This variant is found in one individual with thrombocytopenia and a bleeding phenotype (PMID 32935436), but PS4_supporting cannot be applied because the variant is present more than two times (5) in gnomAD v3.1.2. In summary, the clinical significance of this variant is uncertain. ACMG/AMP criteria applied, as specified by the Myeloid Malignancy Variant Curation Expert Panel for RUNX1: BP4.

Department of Pathology and Laboratory Medicine, Sinai Health System
Classification: Uncertain significance for Hereditary thrombocytopenia and hematological cancer predisposition syndrome associated with RUNX1. Last evaluated: 2022-01-18. Review status: criteria provided, single submitter. Criteria: ACMG Guidelines, 2015. Collection method: research. Allele origin: germline. Not counted in ClinVar's aggregate classification.

Revvity Omics, Revvity
Classification: Uncertain significance. Last evaluated: 2022-01-06. Review status: criteria provided, single submitter. Criteria: ACMG Guidelines, 2015. Collection method: clinical testing. Allele origin: germline. Not counted in ClinVar's aggregate classification.

Birmingham Platelet Group; University of Birmingham
Classification: Likely pathogenic for Thrombocytopenia; Abnormal bleeding. Last evaluated: 2020-05-01. Review status: no assertion criteria provided. Collection method: research. Allele origin: germline. Affected: yes. Not counted in ClinVar's aggregate classification.

NM_001754.5(RUNX1):c.1256T>G (p.Val419Gly)

Gene: RUNX1 (RUNX family transcription factor 1; minus strand). Cytogenetic location: 21q22.12.
Variant type: single nucleotide variant.
Coding change: c.1256T>G on transcript NM_001754.5 (MANE Select); coding-DNA position 1256, T replaced by G.
Protein change: p.Val419Gly; replaces valine 419 with glycine.
Molecular consequence: missense variant.
Genome position (GRCh38, 1-based): chr21:34,792,322, A>C on the plus strand (T>G on the coding strand, the complement: RUNX1 is on the minus strand). VCF-style: chr21-34792322-A-C. GRCh37 (hg19) VCF-style: chr21-36164619-A-C.
Other names: NM_001754.5(RUNX1):c.1256T>G; p.Val419Gly; c.1175T>G, p.Val392Gly (NM_001001890.3); short protein forms V392G, V419G.
Identifiers: ClinVar variation 988847 (VCV000988847.6), dbSNP rs2056452215, ClinGen allele CA410147626.